The following is an entry in ClinVar:

NM_000435.3(NOTCH3):c.2142C>T (p.Gly714=)

Gene: NOTCH3 (notch receptor 3; minus strand). Cytogenetic location: 19p13.12.
Variant type: single nucleotide variant.
Coding change: c.2142C>T on transcript NM_000435.3 (MANE Select); coding-DNA position 2142, C replaced by T.
Protein change: p.Gly714=; no amino-acid change (glycine 714 retained).
Molecular consequence: synonymous variant.
Genome position (GRCh38, 1-based): chr19:15,185,489, G>A on the plus strand (C>T on the coding strand, the complement: NOTCH3 is on the minus strand). VCF-style: chr19-15185489-G-A. GRCh37 (hg19) VCF-style: chr19-15296300-G-A.
Identifiers: ClinVar variation 1687431 (VCV001687431.3), dbSNP rs369579579, ClinGen allele CA506078087.

ClinVar aggregate classification (germline): Uncertain significance. Review status: criteria provided, multiple submitters, no conflicts (2 of 4 stars). 2 submissions from 2 submitters: Uncertain significance (2). Last evaluated 2022-05-22.

Conditions:
Cerebral arteriopathy, autosomal dominant, with subcortical infarcts and leukoencephalopathy, type 1 (CADASIL1). Also called: DEMENTIA, HEREDITARY MULTIINFARCT TYPE; CADASIL 1; CASIL; Cerebral arteriopathy with subcortical infarcts and leukoencephalopathy 1. Identifiers: Orphanet 136, MedGen C4551768, MONDO:0000914, OMIM 125310.

Submissions (2):

3billion
Classification: Uncertain significance for Cerebral arteriopathy, autosomal dominant, with subcortical infarcts and leukoencephalopathy, type 1. Last evaluated: 2022-05-22. Review status: criteria provided, single submitter. Criteria: ACMG Guidelines, 2015. Collection method: clinical testing. Allele origin: germline. Affected: yes. Observed: 1 heterozygote.
Comment: The variant is observed at an extremely low frequency in the gnomAD v2.1.1 dataset (total allele frequency: <0.001%). In silico tools predict the variant to alter splicing and produce an abnormal transcript (SpliceAI: 0.64). Therefore, this variant is classified as uncertain significanceaccording to the recommendation of ACMG/AMP guideline.

MGZ Medical Genetics Center
Classification: Uncertain significance for Cerebral arteriopathy, autosomal dominant, with subcortical infarcts and leukoencephalopathy, type 1. Last evaluated: 2021-11-25. Review status: criteria provided, single submitter. Criteria: ACMG Guidelines, 2015. Collection method: clinical testing. Allele origin: germline. Affected: yes. Observed: 1 variant allele.
Comment: ACMG criteria applied: PM2_SUP, PP3